The following is an entry in ClinVar:

ClinVar aggregate classification (germline): Conflicting classifications of pathogenicity. Review status: criteria provided, conflicting classifications (1 of 4 stars). 2 submissions from 2 submitters: Uncertain significance (1); Likely benign (1). Last evaluated 2026-04-09.

Conditions:
Bethlem myopathy 2 (BTHLM2). Identifiers: Orphanet 536516, Orphanet 610, MedGen C4225313, MONDO:0034022, OMIM 616471.
Ullrich congenital muscular dystrophy 2 (UCMD2). Identifiers: Orphanet 75840, MedGen C4225314, MONDO:0014654, OMIM 616470.

gnomAD v4.1: 25 of 1,612,036 alleles (0.0016%); highest among the groups gnomAD compares: East Asian, 0.025%; no homozygotes.

Submissions (2):

Clinical Genomics Laboratory, Washington University in St. Louis
Classification: Uncertain significance for Bethlem myopathy 2. Last evaluated: 2026-04-09. Review status: criteria provided, single submitter. Criteria: ACMG Guidelines, 2015. Collection method: clinical testing. Allele origin: germline.
Comment: The COL12A1 c.4259A>G (p.Tyr1420Cys) variant, to our knowledge, has not been reported in the medical literature. This variant is only observed in 1/248096 alleles in the general population (gnomAD v2.1.1), indicating it is not a common variant. Computational predictors suggest that the variant does not impact COL12A1 function. Due to limited information, and based on ACMG/AMP guidelines for variant interpretation (Richards S et al., PMID: 25741868), the clinical significance of this variant is uncertain at this time.

Labcorp Genetics (formerly Invitae), Labcorp
Classification: Likely benign for Bethlem myopathy 2; Ullrich congenital muscular dystrophy 2. Last evaluated: 2025-09-27. Review status: criteria provided, single submitter. Criteria: Invitae Variant Classification Sherloc (09022015). Collection method: clinical testing. Allele origin: germline.

NM_004370.6(COL12A1):c.4259A>G (p.Tyr1420Cys)

Gene: COL12A1 (collagen type XII alpha 1 chain; minus strand). Cytogenetic location: 6q13.
Variant type: single nucleotide variant.
Coding change: c.4259A>G on transcript NM_004370.6 (MANE Select); coding-DNA position 4259, A replaced by G.
Protein change: p.Tyr1420Cys; replaces tyrosine 1420 with cysteine.
Molecular consequence: missense variant.
Genome position (GRCh38, 1-based): chr6:75,148,386, T>C on the plus strand (A>G on the coding strand, the complement: COL12A1 is on the minus strand). VCF-style: chr6-75148386-T-C. GRCh37 (hg19) VCF-style: chr6-75858102-T-C.
Other names: c.4259A>G, p.Tyr1420Cys (NM_001424113.1, NM_001424114.1); c.3986A>G, p.Tyr1329Cys (NM_001424115.1); c.767A>G, p.Tyr256Cys (NM_001424116.1, NM_080645.3); short protein forms Y1420C, Y1329C, Y256C.
Identifiers: ClinVar variation 4782704 (VCV004782704.2).